The following is an entry in ClinVar:

ClinVar aggregate classification (germline): Likely benign. Review status: criteria provided, multiple submitters, no conflicts (2 of 4 stars). 3 submissions from 3 submitters: Likely benign (2). 1 of the submissions does not count toward it. Last evaluated 2025-12-01.

Conditions:
GYS1-related disorder. Also called: GYS1-related condition.
Glycogen storage disease due to muscle and heart glycogen synthase deficiency. Also called: GSD 0b; MUSCLE GLYCOGEN SYNTHASE DEFICIENCY. Identifiers: Orphanet 137625, MedGen C1969054, MONDO:0012693, OMIM 611556.

Allele frequency attached by ClinVar (database versions not stated): ExAC 0.00001; gnomAD exomes 0.00002; TOPMed 0.00006.
gnomAD v4.1: 45 of 1,600,530 alleles (0.0028%); highest among the groups gnomAD compares: Middle Eastern, 0.016%; no homozygotes.

Submissions (3):

Labcorp Genetics (formerly Invitae), Labcorp
Classification: Likely benign for Glycogen storage disease due to muscle and heart glycogen synthase deficiency. Last evaluated: 2025-12-01. Review status: criteria provided, single submitter. Criteria: Invitae Variant Classification Sherloc (09022015). Collection method: clinical testing. Allele origin: germline.

Mayo Clinic Laboratories, Mayo Clinic
Classification: Likely benign. Last evaluated: 2025-03-24. Review status: criteria provided, single submitter. Criteria: ACMG Guidelines, 2015. Collection method: clinical testing. Allele origin: germline. Observed: 1 variant allele.
Comment: BP4, BP7

PreventionGenetics, part of Exact Sciences
Classification: Likely benign for GYS1-related condition. Last evaluated: 2020-07-16. Review status: no assertion criteria provided. Collection method: clinical testing. Allele origin: germline. Not counted in ClinVar's aggregate classification.
Comment: This variant is classified as likely benign based on ACMG/AMP sequence variant interpretation guidelines (Richards et al. 2015 PMID: 25741868, with internal and published modifications).

NM_002103.5(GYS1):c.492+8C>A

Gene: GYS1 (glycogen synthase 1; minus strand). Cytogenetic location: 19q13.33.
Variant type: single nucleotide variant.
Coding change: c.492+8C>A on transcript NM_002103.5 (MANE Select); 8 bases into the intron after coding-DNA position 492, C replaced by A.
Molecular consequence: intron variant.
Genome position (GRCh38, 1-based): chr19:48,987,186, G>T on the plus strand (C>A on the coding strand, the complement: GYS1 is on the minus strand). VCF-style: chr19-48987186-G-T. GRCh37 (hg19) VCF-style: chr19-49490443-G-T.
Other names: p.?; c.301-1151C>A (NM_001161587.2).
Identifiers: ClinVar variation 715262 (VCV000715262.11), dbSNP rs751502676, ClinGen allele CA9563335.
Genomic context (GRCh38, chr19:48,987,186, plus strand): 5'-CCTCTGGCCCAGGGGCTGATGGTCATTGTAGTTTCAGGTATGGGTGGAATGTGTCAGACG[G>T]GGCCTACCTCACCCAGGAACCAGGTGGTCAGAAAGCCAAAGAGGACAGCGTCGTTGGCCT-3'